The following is an entry in ClinVar:

ClinVar aggregate classification (germline): Pathogenic. Review status: criteria provided, multiple submitters, no conflicts (2 of 4 stars). 3 submissions from 3 submitters: Pathogenic (2). 1 of the submissions does not count toward it. Last evaluated 2025-08-09.

Conditions:
Parathyroid carcinoma (PRTC). Also called: CDC73-Related Parathyroid Carcinoma; Parathyroid gland carcinoma. Identifiers: Orphanet 143, MedGen C0687150, MONDO:0012004, OMIM 608266, HP:0006780.

Submissions (3):

Labcorp Genetics (formerly Invitae), Labcorp
Classification: Pathogenic for Parathyroid carcinoma. Last evaluated: 2025-08-09. Review status: criteria provided, single submitter. Criteria: Invitae Variant Classification Sherloc (09022015). Collection method: clinical testing. Allele origin: germline.
Comment: This sequence change creates a premature translational stop signal (p.Trp43*) in the CDC73 gene. It is expected to result in an absent or disrupted protein product. Loss-of-function variants in CDC73 are known to be pathogenic (PMID: 12434154). This variant is not present in population databases (gnomAD no frequency). This variant has not been reported in the literature in individuals affected with CDC73-related conditions. ClinVar contains an entry for this variant (Variation ID: 3271). For these reasons, this variant has been classified as Pathogenic.

Women's Health and Genetics/Laboratory Corporation of America, LabCorp
Classification: Pathogenic for Parathyroid carcinoma. Last evaluated: 2023-04-27. Review status: criteria provided, single submitter. Criteria: LabCorp Variant Classification Summary - May 2015. Collection method: clinical testing. Allele origin: germline.
Comment: Variant summary: CDC73 c.128G>A (p.Trp43X) results in a premature termination codon, predicted to cause a truncation of the encoded protein or absence of the protein due to nonsense mediated decay, which are commonly known mechanisms for disease. The variant was absent in 251456 control chromosomes (gnomAD). To our knowledge, no germline occurrences of c.128G>A in individuals affected with Hyperparathyroidism-Jaw Tumor Syndrome and no experimental evidence demonstrating its impact on protein function have been reported. One clinical diagnostic laboratory has submitted clinical-significance assessments for this variant to ClinVar after 2014, and classified the variant as pathogenic. Based on the evidence outlined above, the variant was classified as pathogenic.

OMIM
Classification: Pathogenic for PARATHYROID CARCINOMA, SOMATIC. Last evaluated: 2002-12-01. Review status: no assertion criteria provided. Collection method: literature only. Allele origin: somatic. Not counted in ClinVar's aggregate classification.

Literature cited by the submitters: PubMed 12434154 (cited by Labcorp Genetics (formerly Invitae), Labcorp and OMIM).

NM_024529.5(CDC73):c.128G>A (p.Trp43Ter)

Gene: CDC73 (cell division cycle 73; plus strand). Cytogenetic location: 1q31.2.
Variant type: single nucleotide variant.
Coding change: c.128G>A on transcript NM_024529.5 (MANE Select); coding-DNA position 128, G replaced by A.
Protein change: p.Trp43Ter; replaces tryptophan 43 with a stop codon.
Molecular consequence: nonsense.
Genome position (GRCh38, 1-based): chr1:193,122,328, G>A. VCF-style: chr1-193122328-G-A. GRCh37 (hg19) VCF-style: chr1-193091458-G-A.
Other names: c.128G>A (NM_024529.4); short protein forms W43*.
Identifiers: ClinVar variation 3271 (VCV000003271.8), dbSNP rs121434263, ClinGen allele CA252648.
Genomic context (GRCh38, chr1:193,122,328, plus strand): 5'-ACGAAGTGATCTTCGGGGAGTTCTCCTGGCCCAAGAATGTGAAGACCAACTATGTTGTTT[G>A]GGGGTAAGTCCGGCATGGCTGTGGCCCAGGGGTGGCAGGGCAGAGTTGGGCGCCCCCAGG-3'